The following is an entry in ClinVar:

NM_182919.4(TICAM1):c.2091C>T (p.Asn697=)

Gene: TICAM1 (TIR domain containing adaptor molecule 1; minus strand). Cytogenetic location: 19p13.3.
Variant type: single nucleotide variant.
Coding change: c.2091C>T on transcript NM_182919.4 (MANE Select); coding-DNA position 2091, C replaced by T.
Protein change: p.Asn697=; no amino-acid change (asparagine 697 retained).
Molecular consequence: synonymous variant.
Genome position (GRCh38, 1-based): chr19:4,816,287, G>A on the plus strand (C>T on the coding strand, the complement: TICAM1 is on the minus strand). VCF-style: chr19-4816287-G-A. GRCh37 (hg19) VCF-style: chr19-4816299-G-A.
Other names: c.2049C>T, p.Asn683= (NM_001385678.1); c.1956C>T, p.Asn652= (NM_001385679.1); c.1449C>T, p.Asn483= (NM_001385680.1).
Identifiers: ClinVar variation 750810 (VCV000750810.35), dbSNP rs756453374, ClinGen allele CA9104993.

ClinVar aggregate classification (germline): Likely benign. Review status: criteria provided, multiple submitters, no conflicts (2 of 4 stars). 2 submissions from 2 submitters: Likely benign (2). Last evaluated 2025-10-26.

Conditions:
Encephalopathy, acute, infection-induced (herpes-specific), susceptibility to, 6. Also called: Herpes simplex encephalitis, susceptibility to, 4. Identifiers: Orphanet 1930, MedGen C3553869, MONDO:0013921, OMIM 614850.

Allele frequency attached by ClinVar (database versions not stated): ExAC 0.00001; gnomAD exomes 0.00002 and 0.00005; gnomAD 0.00003 and 0.00002; TOPMed 0.00003.
gnomAD v4.1: 78 of 1,519,944 alleles (0.0051%); highest among the groups gnomAD compares: Middle Eastern, 0.018%; no homozygotes.

Submissions (2):

Labcorp Genetics (formerly Invitae), Labcorp
Classification: Likely benign for Encephalopathy, acute, infection-induced (herpes-specific), susceptibility to, 6. Last evaluated: 2025-10-26. Review status: criteria provided, single submitter. Criteria: Invitae Variant Classification Sherloc (09022015). Collection method: clinical testing. Allele origin: germline.

CeGaT Center for Human Genetics Tuebingen
Classification: Likely benign. Last evaluated: 2023-01-01. Review status: criteria provided, single submitter. Criteria: CeGaT Center For Human Genetics Tuebingen Variant Classification Criteria Version 2. Collection method: clinical testing. Allele origin: germline. Affected: yes. Observed: 1 variant allele.
Comment: TICAM1: BP4, BP7